The following is an entry in ClinVar:

NM_005076.5(CNTN2):c.1359C>G (p.Ser453Arg)

Gene: CNTN2 (contactin 2; plus strand). Cytogenetic location: 1q32.1.
Variant type: single nucleotide variant.
Coding change: c.1359C>G on transcript NM_005076.5 (MANE Select); coding-DNA position 1359, C replaced by G.
Protein change: p.Ser453Arg; replaces serine 453 with arginine.
Molecular consequence: missense variant. On other transcripts: non-coding transcript variant (1).
Genome position (GRCh38, 1-based): chr1:205,064,440, C>G. VCF-style: chr1-205064440-C-G. GRCh37 (hg19) VCF-style: chr1-205033568-C-G.
Other names: c.1359C>G, p.Ser453Arg (NM_001346083.2); short protein forms S453R.
Identifiers: ClinVar variation 1713314 (VCV001713314.5), dbSNP rs746391581, ClinGen allele CA344374905.

ClinVar aggregate classification (germline): Uncertain significance (1 of 4 stars; one submission).

Conditions:
Epilepsy, familial adult myoclonic, 5 (EPEO5). Also called: CORTICAL MYOCLONIC TREMOR WITH EPILEPSY, FAMILIAL, 5. Identifiers: Orphanet 86814, MedGen C3809374, MONDO:0014167, OMIM 615400.

gnomAD v4.1: 1 of 1,611,880 alleles (0.000062%); highest among the groups gnomAD compares: Admixed American, 0.0017%; no homozygotes.

Submission:

Labcorp Genetics (formerly Invitae), Labcorp
Classification: Uncertain significance for Epilepsy, familial adult myoclonic, 5. Last evaluated: 2022-08-04. Review status: criteria provided, single submitter. Criteria: Invitae Variant Classification Sherloc (09022015). Collection method: clinical testing. Allele origin: germline.
Comment: In summary, the available evidence is currently insufficient to determine the role of this variant in disease. Therefore, it has been classified as a Variant of Uncertain Significance. Advanced modeling of protein sequence and biophysical properties (such as structural, functional, and spatial information, amino acid conservation, physicochemical variation, residue mobility, and thermodynamic stability) performed at Invitae indicates that this missense variant is not expected to disrupt CNTN2 protein function. This variant has not been reported in the literature in individuals affected with CNTN2-related conditions. This variant is present in population databases (no rsID available, gnomAD 0.003%). This sequence change replaces serine, which is neutral and polar, with arginine, which is basic and polar, at codon 453 of the CNTN2 protein (p.Ser453Arg).